The following is an entry in ClinVar:

NM_007294.4(BRCA1):c.2273del (p.Leu758fs)

Gene: BRCA1 (BRCA1 DNA repair associated; minus strand). Cytogenetic location: 17q21.31.
Variant type: Deletion.
Coding change: c.2273del on transcript NM_007294.4 (MANE Select); coding-DNA position 2273, one base deleted (T; older notation c.2273delT).
Protein change: p.Leu758fs; shifts the reading frame from leucine 758.
Molecular consequence: frameshift variant. On other transcripts: intron variant (137).
Genome position (GRCh38, 1-based): chr17:43,093,258, A deleted on the plus strand (T on the coding strand, the reverse complement: BRCA1 is on the minus strand); the first of 4 consecutive A bases (chr17:43,093,258-43,093,261); deleting any one gives the same sequence. VCF-style (leftmost placement, unchanged base first): chr17-43093257-CA-C. GRCh37 (hg19) VCF-style: chr17-41245274-CA-C.
Other names: 2392delT; c.2132del, p.Leu711fs (NM_001407692.1, NM_001407694.1, NM_001407695.1 and 29 more transcripts); c.2129del, p.Leu710fs (NM_001407740.1, NM_001407741.1, NM_001407742.1 and 20 more transcripts); c.2060del, p.Leu687fs (NM_001407853.1, NM_001407894.1, NM_001407895.1 and 9 more transcripts); c.2273del, p.Leu758fs (NM_001407854.1, NM_001407858.1, NM_001407859.1 and 30 more transcripts); c.2270del, p.Leu757fs (NM_001407860.1, NM_001407861.1, NM_001407587.1 and 22 more transcripts); c.2072del, p.Leu691fs (NM_001407862.1); c.2150del, p.Leu717fs (NM_001407863.1, NM_001407919.1, NM_001407937.1 and 19 more transcripts); and 44 more; short protein forms L758fs, L711fs, L630fs, L647fs, L710fs, L757fs, L590fs, L691fs.
Identifiers: ClinVar variation 266244 (VCV000266244.7), dbSNP rs80357681, ClinGen allele CA10589868.

ClinVar aggregate classification (germline): Pathogenic. Review status: reviewed by expert panel (3 of 4 stars). 3 submissions from 3 submitters: Pathogenic (1). 2 of the submissions do not count toward it. Last evaluated 2016-10-18.

Conditions:
Hereditary cancer-predisposing syndrome. Also called: Hereditary Cancer Syndrome; Neoplastic Syndromes, Hereditary; Hereditary neoplastic syndrome; Tumor predisposition. Identifiers: Orphanet 140162, MedGen C0027672, MeSH D009386, MONDO:0015356.
Breast-ovarian cancer, familial, susceptibility to, 1 (BROVCA1). Also called: BRCA1 Hereditary Breast and Ovarian Cancer; OVARIAN CANCER, SUSCEPTIBILITY TO. Identifiers: Orphanet 145, MedGen C2676676, MONDO:0011450, OMIM 604370. Disease mechanism: loss of function.

Submissions (3):

Evidence-based Network for the Interpretation of Germline Mutant Alleles (ENIGMA)
Classification: Pathogenic for Breast-ovarian cancer, familial, susceptibility to, 1. Last evaluated: 2016-10-18. Review status: reviewed by expert panel. Criteria: ENIGMA BRCA1/2 Classification Criteria (2015). Collection method: curation. Allele origin: germline.
Comment: Variant allele predicted to encode a truncated non-functional protein.

Ambry Genetics
Classification: Pathogenic for Hereditary cancer-predisposing syndrome. Last evaluated: 2024-04-15. Review status: criteria provided, single submitter. Criteria: Ambry Variant Classification Scheme 2023. Collection method: clinical testing. Allele origin: germline. Not counted in ClinVar's aggregate classification.
Comment: The c.2273delT pathogenic mutation, located in coding exon 9 of the BRCA1 gene, results from a deletion of one nucleotide at nucleotide position 2273, causing a translational frameshift with a predicted alternate stop codon (p.L758Cfs*7). This variant is considered to be rare based on population cohorts in the Genome Aggregation Database (gnomAD). This alteration is expected to result in loss of function by premature protein truncation or nonsense-mediated mRNA decay. As such, this alteration is interpreted as a disease-causing mutation.

Consortium of Investigators of Modifiers of BRCA1/2 (CIMBA), c/o University of Cambridge
Classification: Pathogenic for Breast-ovarian cancer, familial, susceptibility to, 1. Last evaluated: 2015-10-02. Review status: criteria provided, single submitter. Criteria: CIMBA Mutation Classification guidelines May 2016. Collection method: clinical testing. Allele origin: germline. Not counted in ClinVar's aggregate classification.